The following is an entry in ClinVar:

NM_001792.5(CDH2):c.2122G>T (p.Asp708Tyr)

Gene: CDH2 (cadherin 2; minus strand). Cytogenetic location: 18q12.1.
Variant type: single nucleotide variant.
Coding change: c.2122G>T on transcript NM_001792.5 (MANE Select); coding-DNA position 2122, G replaced by T.
Protein change: p.Asp708Tyr; replaces aspartic acid 708 with tyrosine.
Molecular consequence: missense variant.
Genome position (GRCh38, 1-based): chr18:27,985,087, C>A on the plus strand (G>T on the coding strand, the complement: CDH2 is on the minus strand). VCF-style: chr18-27985087-C-A. GRCh37 (hg19) VCF-style: chr18-25565051-C-A.
Other names: c.2029G>T, p.Asp677Tyr (NM_001308176.2); short protein forms D677Y, D708Y.
Identifiers: ClinVar variation 4780870 (VCV004780870.1).

ClinVar aggregate classification (germline): Uncertain significance (1 of 4 stars; one submission).

gnomAD v4.1: 3 of 1,614,116 alleles (0.00019%); highest among the groups gnomAD compares: Non-Finnish European, 0.00025%; no homozygotes.

Submission:

Labcorp Genetics (formerly Invitae), Labcorp
Classification: Uncertain significance. Last evaluated: 2026-01-19. Review status: criteria provided, single submitter. Criteria: Invitae Variant Classification Sherloc (09022015). Collection method: clinical testing. Allele origin: germline.
Comment: This sequence change replaces aspartic acid, which is acidic and polar, with tyrosine, which is neutral and polar, at codon 708 of the CDH2 protein (p.Asp708Tyr). This variant is not present in population databases (gnomAD no frequency). This variant has not been reported in the literature in individuals affected with CDH2-related conditions. An algorithm developed to predict the effect of missense changes on protein structure and function (PolyPhen-2) suggests that this variant is likely to be tolerated. In summary, the available evidence is currently insufficient to determine the role of this variant in disease. Therefore, it has been classified as a Variant of Uncertain Significance.